The following is an entry in ClinVar:

ClinVar aggregate classification (germline): Likely benign. Review status: criteria provided, multiple submitters, no conflicts (2 of 4 stars). 2 submissions from 2 submitters: Likely benign (2). Last evaluated 2025-11-18.

Conditions:
Greig cephalopolysyndactyly syndrome (GCPS). Also called: GLI3-Related Greig Cephalopolysyndactyly Syndrome; Greig syndrome; POLYSYNDACTYLY WITH PECULIAR SKULL SHAPE. Identifiers: Orphanet 380, MedGen C0265306, MONDO:0008287, OMIM 175700.
Pallister-Hall syndrome (PHS). Also called: GLI3-Related Pallister-Hall Syndrome; HYPOTHALAMIC HAMARTOBLASTOMA, HYPOPITUITARISM, IMPERFORATE ANUS, AND POSTAXIAL POLYDACTYLY. Identifiers: Orphanet 672, MedGen C0265220, MONDO:0007804, OMIM 146510.
GLI3-related disorder. Also called: GLI3-related disorders; GLI3-related condition. Identifiers: MedGen CN239292.

gnomAD v4.1: 26 of 1,613,234 alleles (0.0016%); highest among the groups gnomAD compares: South Asian, 0.025%; 1 homozygote.

Submissions (2):

PreventionGenetics, part of Exact Sciences
Classification: Likely benign for GLI3-related condition. Last evaluated: 2025-11-18. Review status: criteria provided, single submitter. Criteria: ACMG Guidelines, 2015. Collection method: clinical testing. Allele origin: germline.
Comment: This variant is classified as likely benign based on ACMG/AMP sequence variant interpretation guidelines (Richards et al. 2015 PMID: 25741868, with internal and published modifications).

Labcorp Genetics (formerly Invitae), Labcorp
Classification: Likely benign for Pallister-Hall syndrome; Greig cephalopolysyndactyly syndrome. Last evaluated: 2024-04-08. Review status: criteria provided, single submitter. Criteria: Invitae Variant Classification Sherloc (09022015). Collection method: clinical testing. Allele origin: germline.

NM_000168.6(GLI3):c.3283G>A (p.Asp1095Asn)

Gene: GLI3 (GLI family zinc finger 3; minus strand). Cytogenetic location: 7p14.1.
Variant type: single nucleotide variant.
Coding change: c.3283G>A on transcript NM_000168.6 (MANE Select); coding-DNA position 3283, G replaced by A.
Protein change: p.Asp1095Asn; replaces aspartic acid 1095 with asparagine.
Molecular consequence: missense variant.
Genome position (GRCh38, 1-based): chr7:41,965,790, C>T on the plus strand (G>A on the coding strand, the complement: GLI3 is on the minus strand). VCF-style: chr7-41965790-C-T. GRCh37 (hg19) VCF-style: chr7-42005388-C-T.
Other names: c.3283G>A (NM_000168.5); short protein forms D1095N.
Identifiers: ClinVar variation 3763933 (VCV003763933.3).